The following is an entry in ClinVar:

NM_001242896.3(DEPDC5):c.3422C>T (p.Thr1141Ile)

Gene: DEPDC5 (DEP domain containing 5, GATOR1 subcomplex subunit; plus strand). Cytogenetic location: 22q12.3.
Variant type: single nucleotide variant.
Coding change: c.3422C>T on transcript NM_001242896.3 (MANE Select); coding-DNA position 3422, C replaced by T.
Protein change: p.Thr1141Ile; replaces threonine 1141 with isoleucine.
Molecular consequence: missense variant. On other transcripts: non-coding transcript variant (5).
Genome position (GRCh38, 1-based): chr22:31,870,681, C>T. VCF-style: chr22-31870681-C-T. GRCh37 (hg19) VCF-style: chr22-32266667-C-T.
Other names: c.3395C>T, p.Thr1132Ile (NM_001136029.4); c.3122C>T, p.Thr1041Ile (NM_001242897.2); c.3356C>T, p.Thr1119Ile (NM_001363852.2, NM_001364320.2); c.3188C>T, p.Thr1063Ile (NM_001363854.2, NM_001364319.2); c.3422C>T, p.Thr1141Ile (NM_001364318.2); c.3338C>T, p.Thr1113Ile (NM_001369901.1, NM_001369902.1); c.3329C>T, p.Thr1110Ile (NM_001369903.1, NM_014662.6); short protein forms T1063I, T1119I, T1132I, T1041I, T1110I, T1113I, T1141I.
Identifiers: ClinVar variation 1491641 (VCV001491641.6), dbSNP rs926750227, ClinGen allele CA411296721.

ClinVar aggregate classification (germline): Uncertain significance (1 of 4 stars; one submission).

Conditions:
Familial focal epilepsy with variable foci (FPEVF). Identifiers: Orphanet 98820, MedGen C1858477, MONDO:0020310.

Submission:

Labcorp Genetics (formerly Invitae), Labcorp
Classification: Uncertain significance for Familial focal epilepsy with variable foci. Last evaluated: 2021-09-19. Review status: criteria provided, single submitter. Criteria: Invitae Variant Classification Sherloc (09022015). Collection method: clinical testing. Allele origin: germline.
Comment: This sequence change replaces threonine with isoleucine at codon 1141 of the DEPDC5 protein (p.Thr1141Ile). The threonine residue is moderately conserved and there is a moderate physicochemical difference between threonine and isoleucine. This variant is not present in population databases (ExAC no frequency). This variant has not been reported in the literature in individuals affected with DEPDC5-related conditions. Algorithms developed to predict the effect of missense changes on protein structure and function are either unavailable or do not agree on the potential impact of this missense change (SIFT: "Deleterious"; PolyPhen-2: "Not Available"; Align-GVGD: "Class C0"). In summary, the available evidence is currently insufficient to determine the role of this variant in disease. Therefore, it has been classified as a Variant of Uncertain Significance.